The following is an entry in ClinVar:

NM_000110.4(DPYD):c.1538C>T (p.Ala513Val)

Gene: DPYD (dihydropyrimidine dehydrogenase; minus strand). Cytogenetic location: 1p21.3.
Variant type: single nucleotide variant.
Coding change: c.1538C>T on transcript NM_000110.4 (MANE Select); coding-DNA position 1538, C replaced by T.
Protein change: p.Ala513Val; replaces alanine 513 with valine.
Molecular consequence: missense variant.
Genome position (GRCh38, 1-based): chr1:97,515,928, G>A on the plus strand (C>T on the coding strand, the complement: DPYD is on the minus strand). VCF-style: chr1-97515928-G-A. GRCh37 (hg19) VCF-style: chr1-97981484-G-A.
Other names: short protein forms A513V.
Identifiers: ClinVar variation 558310 (VCV000558310.6), dbSNP rs760663364, ClinGen allele CA963307.
Genomic context (GRCh38, chr1:97,515,928, plus strand): 5'-ATGTCCACCAGATCAATAGGAGTGTAAAAGAGGGGTAGTTCAGGCTTGGCAGAAACGGAA[G>A]CTCCATATTGTGACTGCAAAATACAAACCAATACTTGGTTTCATATTACATCTAAATTGT-3'
Protein context (NP_000101.2, residues 503-523): IHKYVQSQYG[Ala513Val]SVSAKPELPL

ClinVar aggregate classification (germline): Uncertain significance. Review status: criteria provided, multiple submitters, no conflicts (2 of 4 stars). 4 submissions from 4 submitters: Uncertain significance (3). 1 of the submissions does not count toward it. Last evaluated 2026-05-07.

Conditions:
Inborn genetic diseases. Identifiers: MedGen C0950123, MeSH D030342.
Dihydropyrimidine dehydrogenase deficiency (DPYDD). Also called: DPD DEFICIENCY; DPYD DEFICIENCY; Hereditary Thymine-Uraciluria. Identifiers: Orphanet 1675, MedGen C1959620, MONDO:0010130, OMIM 274270.

Allele frequency attached by ClinVar (database versions not stated): gnomAD exomes below 0.00001; ExAC 0.00001; gnomAD 0.00001; TOPMed 0.00001.
gnomAD v4.1: 6 of 1,612,254 alleles (0.00037%); highest among the groups gnomAD compares: Middle Eastern, 0.033%; no homozygotes.

Submissions (4):

Myriad Genetics, Inc.
Classification: Uncertain significance for Dihydropyrimidine dehydrogenase deficiency. Last evaluated: 2026-05-07. Review status: criteria provided, single submitter. Criteria: Myriad Autosomal Dominant, Autosomal Recessive and X-Linked Classification Criteria (2023). Collection method: clinical testing. Allele origin: unknown.
Comment: NM_000110.3(DPYD):c.1538C>T(A513V) is a missense variant classified as a variant of uncertain significance in the context of dihydropyrimidine dehydrogenase deficiency. A513V has not been observed in cases with relevant disease. Relevant functional assessments of this variant are available in the literature (PMID: 27727460). A513V has not been observed in referenced population frequency databases. In summary, there is insufficient evidence to classify NM_000110.3(DPYD):c.1538C>T(A513V) as pathogenic or benign. Please note: this variant was assessed in the context of healthy population screening.

Genome-Nilou Lab
Classification: Uncertain significance for Dihydropyrimidine dehydrogenase deficiency. Last evaluated: 2023-04-11. Review status: criteria provided, single submitter. Criteria: ACMG Guidelines, 2015. Collection method: clinical testing. Allele origin: germline. Affected: no.

Ambry Genetics
Classification: Uncertain significance for Inborn genetic diseases. Last evaluated: 2022-08-24. Review status: criteria provided, single submitter. Criteria: Ambry Variant Classification Scheme 2023. Collection method: clinical testing. Allele origin: germline.

Counsyl
Classification: Uncertain significance for Dihydropyrimidine dehydrogenase deficiency. Last evaluated: 2018-05-15. Review status: no assertion criteria provided. Collection method: clinical testing. Allele origin: unknown. Not counted in ClinVar's aggregate classification.

Literature cited by the submitters: PubMed 27727460 (cited by 3 submitters).